The following is an entry in ClinVar:

ClinVar aggregate classification (germline): Uncertain significance (1 of 4 stars; one submission).

Allele frequency attached by ClinVar (database versions not stated): TOPMed below 0.00001; gnomAD exomes 0.00001.
gnomAD v4.1: 7 of 1,614,012 alleles (0.00043%); highest among the groups gnomAD compares: Non-Finnish European, 0.00059%; no homozygotes.

Submission:

Ambry Genetics
Classification: Uncertain significance. Last evaluated: 2024-10-24. Review status: criteria provided, single submitter. Criteria: Ambry Variant Classification Scheme 2023. Collection method: clinical testing. Allele origin: germline.
Comment: The p.P435S variant (also known as c.1303C>T), located in coding exon 3 of the ALPK2 gene, results from a C to T substitution at nucleotide position 1303. The proline at codon 435 is replaced by serine, an amino acid with similar properties. This amino acid position is conserved. In addition, this alteration is predicted to be tolerated by in silico analysis. Since supporting evidence is limited at this time, the clinical significance of this alteration remains unclear.

NM_052947.4(ALPK2):c.1303C>T (p.Pro435Ser)

Gene: ALPK2 (alpha kinase 2; minus strand). Cytogenetic location: 18q21.31.
Variant type: single nucleotide variant.
Coding change: c.1303C>T on transcript NM_052947.4 (MANE Select); coding-DNA position 1303, C replaced by T.
Protein change: p.Pro435Ser; replaces proline 435 with serine.
Molecular consequence: missense variant.
Genome position (GRCh38, 1-based): chr18:58,579,473, G>A on the plus strand (C>T on the coding strand, the complement: ALPK2 is on the minus strand). VCF-style: chr18-58579473-G-A. GRCh37 (hg19) VCF-style: chr18-56246705-G-A.
Other names: short protein forms P435S.
Identifiers: ClinVar variation 1769458 (VCV001769458.3), dbSNP rs965586601, ClinGen allele CA300927186.